The following is an entry in ClinVar:

NM_016122.3(CEP83):c.485T>A (p.Phe162Tyr)

Gene: CEP83 (centrosomal protein 83; minus strand). Cytogenetic location: 12q22.
Variant type: single nucleotide variant.
Coding change: c.485T>A on transcript NM_016122.3 (MANE Select); coding-DNA position 485, T replaced by A.
Protein change: p.Phe162Tyr; replaces phenylalanine 162 with tyrosine.
Molecular consequence: missense variant. On other transcripts: non-coding transcript variant (3), intron variant (2).
Genome position (GRCh38, 1-based): chr12:94,400,914, A>T on the plus strand (T>A on the coding strand, the complement: CEP83 is on the minus strand). VCF-style: chr12-94400914-A-T. GRCh37 (hg19) VCF-style: chr12-94794690-A-T.
Other names: c.485T>A, p.Phe162Tyr (NM_001042399.2, NM_001346457.2, NM_001346460.2 and 3 more transcripts); c.173T>A, p.Phe58Tyr (NM_001346458.2, NM_001346459.2, NM_001346462.2 and 2 more transcripts); c.324+10783T>A (NM_001368041.1); c.12+10783T>A (NM_001368042.1); short protein forms F58Y, F162Y.
Identifiers: ClinVar variation 1915197 (VCV001915197.5), dbSNP rs2542200287, ClinGen allele CA386143090.

ClinVar aggregate classification (germline): Uncertain significance (1 of 4 stars; one submission).

Conditions:
Nephronophthisis 18 (NPHP18). Identifiers: Orphanet 655, MedGen C3890591, MONDO:0014374, OMIM 615862.

Submission:

Labcorp Genetics (formerly Invitae), Labcorp
Classification: Uncertain significance for Nephronophthisis 18. Last evaluated: 2024-03-04. Review status: criteria provided, single submitter. Criteria: Invitae Variant Classification Sherloc (09022015). Collection method: clinical testing. Allele origin: germline.
Comment: This sequence change replaces phenylalanine, which is neutral and non-polar, with tyrosine, which is neutral and polar, at codon 162 of the CEP83 protein (p.Phe162Tyr). This variant is not present in population databases (gnomAD no frequency). This variant has not been reported in the literature in individuals affected with CEP83-related conditions. ClinVar contains an entry for this variant (Variation ID: 1915197). Advanced modeling of protein sequence and biophysical properties (such as structural, functional, and spatial information, amino acid conservation, physicochemical variation, residue mobility, and thermodynamic stability) performed at Invitae indicates that this missense variant is not expected to disrupt CEP83 protein function with a negative predictive value of 80%. In summary, the available evidence is currently insufficient to determine the role of this variant in disease. Therefore, it has been classified as a Variant of Uncertain Significance.